The following is an entry in ClinVar:

ClinVar aggregate classification (germline): Likely benign. Review status: criteria provided, multiple submitters, no conflicts (2 of 4 stars). 3 submissions from 3 submitters: Likely benign (3). Last evaluated 2024-11-22.

Allele frequency attached by ClinVar (database versions not stated): ExAC 0.00001; gnomAD 0.00001; gnomAD exomes 0.00002.
gnomAD v4.1: 13 of 1,613,922 alleles (0.00081%); highest among the groups gnomAD compares: Admixed American, 0.0017%; no homozygotes.

Submissions (3):

Ambry Genetics
Classification: Likely benign. Last evaluated: 2024-11-22. Review status: criteria provided, single submitter. Criteria: Ambry Variant Classification Scheme 2023. Collection method: clinical testing. Allele origin: germline.

CeGaT Center for Human Genetics Tuebingen
Classification: Likely benign. Last evaluated: 2024-09-01. Review status: criteria provided, single submitter. Criteria: CeGaT Center For Human Genetics Tuebingen Variant Classification Criteria Version 2. Collection method: clinical testing. Allele origin: germline. Affected: yes. Observed: 1 variant allele.
Comment: TET2: BP4, BP7

Labcorp Genetics (formerly Invitae), Labcorp
Classification: Likely benign. Last evaluated: 2022-10-27. Review status: criteria provided, single submitter. Criteria: Invitae Variant Classification Sherloc (09022015). Collection method: clinical testing. Allele origin: germline.

NM_001127208.3(TET2):c.2370G>A (p.Gln790=)

Genes: TET2 (tet methylcytosine dioxygenase 2; plus strand), TET2-AS1 (TET2 antisense RNA 1; minus strand). Cytogenetic location: 4q24.
Variant type: single nucleotide variant.
Coding change: c.2370G>A on transcript NM_001127208.3 (MANE Select); coding-DNA position 2370, G replaced by A.
Protein change: p.Gln790=; no amino-acid change (glutamine 790 retained).
Molecular consequence: synonymous variant.
Genome position (GRCh38, 1-based): chr4:105,236,312, G>A. VCF-style: chr4-105236312-G-A. GRCh37 (hg19) VCF-style: chr4-106157469-G-A.
Other names: c.2370G>A, p.Gln790= (NM_017628.4).
Identifiers: ClinVar variation 3010365 (VCV003010365.18), dbSNP rs758586811, ClinGen allele CA3031866.